The following is an entry in ClinVar:

NM_001184.4(ATR):c.3286A>G (p.Ile1096Val)

Gene: ATR (ATR checkpoint kinase; minus strand). Cytogenetic location: 3q23.
Variant type: single nucleotide variant.
Coding change: c.3286A>G on transcript NM_001184.4 (MANE Select); coding-DNA position 3286, A replaced by G.
Protein change: p.Ile1096Val; replaces isoleucine 1096 with valine.
Molecular consequence: missense variant.
Genome position (GRCh38, 1-based): chr3:142,547,796, T>C on the plus strand (A>G on the coding strand, the complement: ATR is on the minus strand). VCF-style: chr3-142547796-T-C. GRCh37 (hg19) VCF-style: chr3-142266638-T-C.
Other names: c.3094A>G, p.Ile1032Val (NM_001354579.2); short protein forms I1032V, I1096V.
Identifiers: ClinVar variation 1729790 (VCV001729790.5), dbSNP rs1176218951, ClinGen allele CA354810592.
Genomic context (GRCh38, chr3:142,547,796, plus strand): 5'-GTGATATGATATCTCTCGGGCCCTGATATGGATCATCACTGGATGCAAATGAGGCAAGTA[T>C]TGACAAACCATTAAAAACCTGTTGATAGTGTTCTCCAATACGCAGCAATAATTCATTATG-3'
Protein context (NP_001175.2, residues 1086-1106): HYQQVFNGLS[Ile1096Val]LASFASSDDP

ClinVar aggregate classification (germline): Uncertain significance. Review status: criteria provided, multiple submitters, no conflicts (2 of 4 stars). 2 submissions from 2 submitters: Uncertain significance (2). Last evaluated 2024-01-23.

Conditions:
Inborn genetic diseases. Identifiers: MedGen C0950123, MeSH D030342.

Allele frequency attached by ClinVar (database versions not stated): gnomAD exomes below 0.00001; gnomAD 0.00001.
gnomAD v4.1: 3 of 1,613,882 alleles (0.00019%); highest among the groups gnomAD compares: East Asian, 0.0022%; no homozygotes.

Submissions (2):

Labcorp Genetics (formerly Invitae), Labcorp
Classification: Uncertain significance. Last evaluated: 2024-01-23. Review status: criteria provided, single submitter. Criteria: Invitae Variant Classification Sherloc (09022015). Collection method: clinical testing. Allele origin: germline.
Comment: This sequence change replaces isoleucine, which is neutral and non-polar, with valine, which is neutral and non-polar, at codon 1096 of the ATR protein (p.Ile1096Val). This variant is present in population databases (no rsID available, gnomAD 0.06%). This variant has not been reported in the literature in individuals affected with ATR-related conditions. ClinVar contains an entry for this variant (Variation ID: 1729790). An algorithm developed to predict the effect of missense changes on protein structure and function (PolyPhen-2) suggests that this variant is likely to be disruptive. In summary, the available evidence is currently insufficient to determine the role of this variant in disease. Therefore, it has been classified as a Variant of Uncertain Significance.

Ambry Genetics
Classification: Uncertain significance for Inborn genetic diseases. Last evaluated: 2021-06-29. Review status: criteria provided, single submitter. Criteria: Ambry Variant Classification Scheme 2023. Collection method: clinical testing. Allele origin: germline.
Comment: The p.I1096V variant (also known as c.3286A>G), located in coding exon 16 of the ATR gene, results from an A to G substitution at nucleotide position 3286. The isoleucine at codon 1096 is replaced by valine, an amino acid with highly similar properties. This amino acid position is conserved. In addition, this alteration is predicted to be tolerated by in silico analysis. Since supporting evidence is limited at this time, the clinical significance of this alteration remains unclear.